The following is an entry in ClinVar:

NM_138694.4(PKHD1):c.881-2A>G

Gene: PKHD1 (PKHD1 ciliary IPT domain containing fibrocystin/polyductin; minus strand). Cytogenetic location: 6p12.2.
Variant type: single nucleotide variant.
Coding change: c.881-2A>G on transcript NM_138694.4 (MANE Select); the canonical splice acceptor site of the intron before coding-DNA position 881, A replaced by G.
Molecular consequence: splice acceptor variant.
Genome position (GRCh38, 1-based): chr6:52,065,052, T>C on the plus strand (A>G on the coding strand, the complement: PKHD1 is on the minus strand). VCF-style: chr6-52065052-T-C. GRCh37 (hg19) VCF-style: chr6-51929850-T-C.
Other names: c.881-2A>G (NM_170724.3).
Identifiers: ClinVar variation 4816784 (VCV004816784.1).

ClinVar aggregate classification (germline): Likely pathogenic (1 of 4 stars; one submission).

Conditions:
Autosomal recessive polycystic kidney disease (ARPKD). Also called: AR polycystic kidney disease. Identifiers: Orphanet 731, Orphanet 8378, MedGen C0085548, MeSH D017044, MONDO:0009889.

Submission:

Natera, Inc.
Classification: Likely pathogenic for Autosomal recessive polycystic kidney disease. Last evaluated: 2024-12-30. Review status: criteria provided, single submitter. Criteria: Natera Variant Classification Schema (03/2026). Collection method: clinical testing. Allele origin: germline.
Comment: The c.881-2A>G variant in PKHD1 is a canonical splice acceptor site variant predicted to affect pre-mRNA splicing, which may result in an abnormal transcript and altered protein product. This variant is expected to result in nonsense mediated decay, truncation, or a dysfunctional protein product. This variant is rare in the general population with a frequency below the threshold expected for the associated phenotype(s). Given the available evidence, this variant is classified as Likely Pathogenic.